The following is an entry in ClinVar:

ClinVar aggregate classification (germline): Pathogenic (1 of 4 stars; one submission).

gnomAD v4.1: 3 of 1,613,618 alleles (0.00019%); highest among the groups gnomAD compares: Non-Finnish European, 0.00025%; no homozygotes.

Submission:

Mayo Clinic Laboratories, Mayo Clinic
Classification: Pathogenic. Last evaluated: 2025-08-01. Review status: criteria provided, single submitter. Criteria: ACMG Guidelines, 2015. Collection method: clinical testing. Allele origin: germline. Observed: 1 variant allele.
Comment: PP1, PM2_supporting, PS4_supporting, PVS1

Literature cited by the submitters: PubMed 25618028; PubMed 26367797; PubMed 32093271.

NM_000384.3(APOB):c.3696+1G>T

Gene: APOB (apolipoprotein B; minus strand). Cytogenetic location: 2p24.1.
Variant type: single nucleotide variant.
Coding change: c.3696+1G>T on transcript NM_000384.3 (MANE Select); the canonical splice donor site of the intron after coding-DNA position 3696, G replaced by T.
Molecular consequence: splice donor variant.
Genome position (GRCh38, 1-based): chr2:21,015,072, C>A on the plus strand (G>T on the coding strand, the complement: APOB is on the minus strand). VCF-style: chr2-21015072-C-A. GRCh37 (hg19) VCF-style: chr2-21237944-C-A.
Identifiers: ClinVar variation 4542537 (VCV004542537.1).